The following is an entry in ClinVar:

ClinVar aggregate classification (germline): Uncertain significance (1 of 4 stars; one submission).

Submission:

GeneDx
Classification: Uncertain significance. Last evaluated: 2025-04-23. Review status: criteria provided, single submitter. Criteria: GeneDx Variant Classification Process June 2021. Collection method: clinical testing. Allele origin: germline. Affected: yes.
Comment: Not observed at significant frequency in large population cohorts (gnomAD); In-frame deletion of 1 amino acid(s) in a non-repeat region; In silico analysis supports a deleterious effect on protein structure/function; Has not been previously published as pathogenic or benign to our knowledge

NM_182931.3(KMT2E):c.207TCC[2] (p.Pro72del)

Gene: KMT2E (lysine methyltransferase 2E (inactive); plus strand). Cytogenetic location: 7q22.3.
Variant type: Microsatellite.
Coding change: c.207TCC[2] on transcript NM_182931.3 (MANE Select); two copies in a row of the 3-base unit TCC starting at c.207; the reference has three copies in a row; one copy, 3 bases deleted.
Protein change: p.Pro72del; deletes proline 72.
Genome position (GRCh38, 1-based): chr7:105,063,377-105,063,379, TCC deleted; deleting any 3 consecutive bases within chr7:105,063,371-105,063,379 gives the same sequence; the position shown is the placement nearest the transcript's 3' end. VCF-style (leftmost placement, unchanged base first): chr7-105063370-GTCC-G. GRCh37 (hg19) VCF-style: chr7-104703817-GTCC-G.
Other names: c.207TCC[2], p.Pro72del (NM_001410908.1, NM_018682.4); short protein forms P72del.
Identifiers: ClinVar variation 4527389 (VCV004527389.1).
Genomic context (GRCh38, chr7:105,063,370, plus strand): 5'-AATTAAATAATATTGTGCTATATTTGTGTTTAATTATTCAGGACCATAATTATGGTGCTC[GTCC>G]TCCTCCGACACCTCCGGCTTCCCCTCCTCCATCAGTCCTTATTAGCAAAAATGAAGTAGG-3'